The following is an entry in ClinVar:

NM_006509.4(RELB):c.832C>G (p.Gln278Glu)

Gene: RELB (RELB proto-oncogene, NF-kB subunit; plus strand). Cytogenetic location: 19q13.32.
Variant type: single nucleotide variant.
Coding change: c.832C>G on transcript NM_006509.4 (MANE Select); coding-DNA position 832, C replaced by G.
Protein change: p.Gln278Glu; replaces glutamine 278 with glutamic acid.
Molecular consequence: missense variant.
Genome position (GRCh38, 1-based): chr19:45,025,683, C>G. VCF-style: chr19-45025683-C-G. GRCh37 (hg19) VCF-style: chr19-45528941-C-G.
Other names: c.823C>G, p.Gln275Glu (NM_001411087.1); short protein forms Q275E, Q278E.
Identifiers: ClinVar variation 4694648 (VCV004694648.1).
Genomic context (GRCh38, chr19:45,025,683, plus strand): 5'-CATCAGGAAGTAGACATGAATGTGGTGAGGATCTGCTTCCAGGCCTCATATCGGGACCAG[C>G]AGGGACAGATGCGCCGGATGGATCCTGTGCTTTCCGAGCCCGTCTATGACAAGAGTGAGT-3'
Protein context (NP_006500.2, residues 268-288): ICFQASYRDQ[Gln278Glu]GQMRRMDPVL

ClinVar aggregate classification (germline): Uncertain significance (1 of 4 stars; one submission).

gnomAD v4.1: 24 of 1,613,878 alleles (0.0015%); highest among the groups gnomAD compares: Admixed American, 0.005%; no homozygotes.

Submission:

Labcorp Genetics (formerly Invitae), Labcorp
Classification: Uncertain significance. Last evaluated: 2026-01-04. Review status: criteria provided, single submitter. Criteria: Invitae Variant Classification Sherloc (09022015). Collection method: clinical testing. Allele origin: germline.
Comment: This sequence change replaces glutamine, which is neutral and polar, with glutamic acid, which is acidic and polar, at codon 278 of the RELB protein (p.Gln278Glu). This variant is present in population databases (rs776816076, gnomAD 0.006%). This variant has not been reported in the literature in individuals affected with RELB-related conditions. An algorithm developed to predict the effect of missense changes on protein structure and function (PolyPhen-2) suggests that this variant is likely to be tolerated. In summary, the available evidence is currently insufficient to determine the role of this variant in disease. Therefore, it has been classified as a Variant of Uncertain Significance.